The following is an entry in ClinVar:

ClinVar aggregate classification (germline): Uncertain significance. Review status: criteria provided, multiple submitters, no conflicts (2 of 4 stars). 4 submissions from 4 submitters: Uncertain significance (4). Last evaluated 2025-08-01.

Conditions:
Inborn genetic diseases. Identifiers: MedGen C0950123, MeSH D030342.
COG1 congenital disorder of glycosylation (CDG2G). Also called: CONGENITAL DISORDER OF GLYCOSYLATION, TYPE IIg; CDG IIg; CDGII/COG1 CEREBROCOSTOMANDIBULAR-LIKE SYNDROME. Identifiers: Orphanet 263508, MedGen C2931011, MONDO:0012637, OMIM 611209.

Allele frequency attached by ClinVar (database versions not stated): TOPMed 0.00023; ESP Exome Variant Server 0.00046; ExAC 0.00010; gnomAD 0.00019 and 0.00020.
gnomAD v4.1: 577 of 1,614,038 alleles (0.036%); highest among the groups gnomAD compares: Non-Finnish European, 0.047%; no homozygotes.

Submissions (4):

Ambry Genetics
Classification: Uncertain significance for Inborn genetic diseases. Last evaluated: 2025-08-01. Review status: criteria provided, single submitter. Criteria: Ambry Variant Classification Scheme 2023. Collection method: clinical testing. Allele origin: germline.

Labcorp Genetics (formerly Invitae), Labcorp
Classification: Uncertain significance for COG1 congenital disorder of glycosylation. Last evaluated: 2024-11-27. Review status: criteria provided, single submitter. Criteria: Invitae Variant Classification Sherloc (09022015). Collection method: clinical testing. Allele origin: germline.
Comment: This sequence change replaces glycine, which is neutral and non-polar, with arginine, which is basic and polar, at codon 378 of the COG1 protein (p.Gly378Arg). This variant is present in population databases (rs138121131, gnomAD 0.03%). This variant has not been reported in the literature in individuals affected with COG1-related conditions. ClinVar contains an entry for this variant (Variation ID: 889656). Invitae Evidence Modeling of protein sequence and biophysical properties (such as structural, functional, and spatial information, amino acid conservation, physicochemical variation, residue mobility, and thermodynamic stability) indicates that this missense variant is not expected to disrupt COG1 protein function with a negative predictive value of 80%. In summary, the available evidence is currently insufficient to determine the role of this variant in disease. Therefore, it has been classified as a Variant of Uncertain Significance.

CeGaT Center for Human Genetics Tuebingen
Classification: Uncertain significance. Last evaluated: 2024-06-01. Review status: criteria provided, single submitter. Criteria: CeGaT Center For Human Genetics Tuebingen Variant Classification Criteria Version 2. Collection method: clinical testing. Allele origin: germline. Affected: yes. Observed: 1 variant allele.
Comment: COG1: PM2

Illumina Laboratory Services, Illumina
Classification: Uncertain significance for COG1 congenital disorder of glycosylation. Last evaluated: 2018-01-13. Review status: criteria provided, single submitter. Criteria: ICSL Variant Classification Criteria 13 December 2019. Collection method: clinical testing. Allele origin: germline.

NM_018714.3(COG1):c.1132G>C (p.Gly378Arg)

Genes: COG1 (component of oligomeric golgi complex 1; plus strand), LOC126862634 (CDK7 strongly-dependent group 2 enhancer GRCh37_chr17:71195948-71197147; plus strand). Cytogenetic location: 17q25.1.
Variant type: single nucleotide variant.
Coding change: c.1132G>C on transcript NM_018714.3 (MANE Select); coding-DNA position 1132, G replaced by C.
Protein change: p.Gly378Arg; replaces glycine 378 with arginine.
Molecular consequence: missense variant.
Genome position (GRCh38, 1-based): chr17:73,200,627, G>C. VCF-style: chr17-73200627-G-C. GRCh37 (hg19) VCF-style: chr17-71196766-G-C.
Other names: short protein forms G378R.
Identifiers: ClinVar variation 889656 (VCV000889656.33), dbSNP rs138121131, ClinGen allele CA8740159.